The following is an entry in ClinVar:

ClinVar aggregate classification (germline): Uncertain significance (1 of 4 stars; one submission).

Conditions:
PPP2R5B-related disorder. Also called: PPP2R5B-related condition.

Allele frequency attached by ClinVar (database versions not stated): TOPMed 0.00001.
gnomAD v4.1: 2 of 1,613,590 alleles (0.00012%); highest among the groups gnomAD compares: African/African-American, 0.0027%; no homozygotes.

Submission:

PreventionGenetics, part of Exact Sciences
Classification: Uncertain significance for PPP2R5B-related condition. Last evaluated: 2023-01-09. Review status: criteria provided, single submitter. Criteria: ACMG Guidelines, 2015. Collection method: clinical testing. Allele origin: germline.
Comment: The PPP2R5B c.1298G>A variant is predicted to result in the amino acid substitution p.Gly433Glu. To our knowledge, this variant has not been reported in the literature or in a large population database, indicating this variant is rare. At this time, the clinical significance of this variant is uncertain due to the absence of conclusive functional and genetic evidence.

NM_006244.4(PPP2R5B):c.1298G>A (p.Gly433Glu)

Gene: PPP2R5B (protein phosphatase 2 regulatory subunit B'beta; plus strand). Cytogenetic location: 11q13.1.
Variant type: single nucleotide variant.
Coding change: c.1298G>A on transcript NM_006244.4 (MANE Select); coding-DNA position 1298, G replaced by A.
Protein change: p.Gly433Glu; replaces glycine 433 with glutamic acid.
Molecular consequence: missense variant.
Genome position (GRCh38, 1-based): chr11:64,933,198, G>A. VCF-style: chr11-64933198-G-A. GRCh37 (hg19) VCF-style: chr11-64700670-G-A.
Other names: short protein forms G433E.
Identifiers: ClinVar variation 2629781 (VCV002629781.1), dbSNP rs960885050, ClinGen allele CA223924191.